The following is an entry in ClinVar:

ClinVar aggregate classification (germline): Uncertain significance (1 of 4 stars; one submission).

Conditions:
Hereditary cancer-predisposing syndrome. Also called: Neoplastic Syndromes, Hereditary; Tumor predisposition; Hereditary neoplastic syndrome; Hereditary Cancer Syndrome. Identifiers: Orphanet 140162, MedGen C0027672, MeSH D009386, MONDO:0015356.

Submission:

Ambry Genetics
Classification: Uncertain significance for Hereditary cancer-predisposing syndrome. Last evaluated: 2026-07-25. Review status: criteria provided, single submitter. Criteria: Ambry Variant Classification Scheme 2023. Collection method: clinical testing. Allele origin: germline.
Comment: The p.K1113R variant (also known as c.3338A>G), located in coding exon 19 of the BRIP1 gene, results from an A to G substitution at nucleotide position 3338. The lysine at codon 1113 is replaced by arginine, an amino acid with highly similar properties. This amino acid position is conserved. In addition, this alteration is predicted to be tolerated by in silico analysis. Based on the available evidence, the clinical significance of this variant remains unclear.

NM_032043.3(BRIP1):c.3338A>G (p.Lys1113Arg)

Gene: BRIP1 (BRCA1 interacting DNA helicase 1; minus strand). Cytogenetic location: 17q23.2.
Variant type: single nucleotide variant.
Coding change: c.3338A>G on transcript NM_032043.3 (MANE Select); coding-DNA position 3338, A replaced by G.
Protein change: p.Lys1113Arg; replaces lysine 1113 with arginine.
Molecular consequence: missense variant.
Genome position (GRCh38, 1-based): chr17:61,683,708, T>C on the plus strand (A>G on the coding strand, the complement: BRIP1 is on the minus strand). VCF-style: chr17-61683708-T-C. GRCh37 (hg19) VCF-style: chr17-59761069-T-C.
Other names: short protein forms K1113R.
Identifiers: ClinVar variation 5033439 (VCV005033439.1).
Genomic context (GRCh38, chr17:61,683,708, plus strand): 5'-GTAAAATAGATAGATTCATCTTCTGCTTCTGTTTCAAAATCTCTATTTGAAGTGGACTGT[T>C]TATCTTCTTCACTTACTAGAGACAATTCAATGTCTGGATCCAGGGCTTCTTCAGAACAGA-3'
Protein context (NP_114432.2, residues 1103-1123): IELSLVSEED[Lys1113Arg]QSTSNRDFET